The following is an entry in ClinVar:

NM_003742.4(ABCB11):c.1197+4T>C

Gene: ABCB11 (ATP binding cassette subfamily B member 11; minus strand). Cytogenetic location: 2q31.1.
Variant type: single nucleotide variant.
Coding change: c.1197+4T>C on transcript NM_003742.4 (MANE Select); 4 bases into the intron after coding-DNA position 1197, T replaced by C.
Molecular consequence: intron variant.
Genome position (GRCh38, 1-based): chr2:168,979,862, A>G on the plus strand (T>C on the coding strand, the complement: ABCB11 is on the minus strand). VCF-style: chr2-168979862-A-G. GRCh37 (hg19) VCF-style: chr2-169836372-A-G.
Identifiers: ClinVar variation 3633890 (VCV003633890.2).

ClinVar aggregate classification (germline): Uncertain significance (1 of 4 stars; one submission).

gnomAD v4.1: 11 of 1,598,580 alleles (0.00069%); highest among the groups gnomAD compares: Non-Finnish European, 0.00094%; no homozygotes.

Submission:

Labcorp Genetics (formerly Invitae), Labcorp
Classification: Uncertain significance. Last evaluated: 2024-11-12. Review status: criteria provided, single submitter. Criteria: Invitae Variant Classification Sherloc (09022015). Collection method: clinical testing. Allele origin: germline.
Comment: This sequence change falls in intron 11 of the ABCB11 gene. It does not directly change the encoded amino acid sequence of the ABCB11 protein. It affects a nucleotide within the consensus splice site. This variant is present in population databases (rs748691675, gnomAD 0.005%). This variant has not been reported in the literature in individuals affected with ABCB11-related conditions. Variants that disrupt the consensus splice site are a relatively common cause of aberrant splicing (PMID: 17576681, 9536098). Algorithms developed to predict the effect of sequence changes on RNA splicing suggest that this variant is not likely to affect RNA splicing. In summary, the available evidence is currently insufficient to determine the role of this variant in disease. Therefore, it has been classified as a Variant of Uncertain Significance.

Literature cited by the submitters: PubMed 17576681; PubMed 9536098.